The following is an entry in ClinVar:

NM_000059.4(BRCA2):c.7007+1G>A

Gene: BRCA2 (BRCA2 DNA repair associated; plus strand). Cytogenetic location: 13q13.1.
Variant type: single nucleotide variant.
Coding change: c.7007+1G>A on transcript NM_000059.4 (MANE Select); the canonical splice donor site of the intron after coding-DNA position 7007, G replaced by A.
Molecular consequence: splice donor variant.
Genome position (GRCh38, 1-based): chr13:32,346,897, G>A. VCF-style: chr13-32346897-G-A. GRCh37 (hg19) VCF-style: chr13-32921034-G-A.
Other names: c.7007+1G>A (NM_001406720.1); c.6911+1G>A (NM_001406719.1); c.2075+1G>A (NM_001406721.1); c.590+1G>A (NM_001406722.1).
Identifiers: ClinVar variation 236896 (VCV000236896.13), dbSNP rs397507891, ClinGen allele CA10583124.

ClinVar aggregate classification (germline): Pathogenic/Likely pathogenic. Review status: criteria provided, multiple submitters, no conflicts (2 of 4 stars). 3 submissions from 3 submitters: Pathogenic (2); Likely pathogenic (1). Last evaluated 2025-12-31.

Conditions:
Hereditary cancer-predisposing syndrome. Also called: Hereditary neoplastic syndrome; Hereditary Cancer Syndrome; Neoplastic Syndromes, Hereditary; Tumor predisposition. Identifiers: Orphanet 140162, MedGen C0027672, MeSH D009386, MONDO:0015356.
Hereditary breast ovarian cancer syndrome. Also called: BRCA1- and BRCA2-Associated Hereditary Breast and Ovarian Cancer; Hereditary breast and ovarian cancer syndrome; Hereditary breast and ovarian cancer; Hereditary breast and ovarian cancer syndrome (HBOC); Breast and ovarian cancer; Hereditary breast and/or ovarian cancer syndrome. Identifiers: Orphanet 145, MedGen C0677776, MeSH D061325, MONDO:0003582. Disease mechanism: loss of function.

Submissions (3):

Labcorp Genetics (formerly Invitae), Labcorp
Classification: Pathogenic for Hereditary breast ovarian cancer syndrome. Last evaluated: 2025-12-31. Review status: criteria provided, single submitter. Criteria: Invitae Variant Classification Sherloc (09022015). Collection method: clinical testing. Allele origin: germline.
Comment: This sequence change affects a donor splice site in intron 13 of the BRCA2 gene. RNA analysis indicates that disruption of this splice site induces altered splicing and may result in an absent or altered protein product. This variant is not present in population databases (gnomAD no frequency). This variant has not been reported in the literature in individuals affected with BRCA2-related conditions. ClinVar contains an entry for this variant (Variation ID: 236896). Studies have shown that disruption of this splice site results in skipping of exon 13, and produces a non-functional protein and/or introduces a premature termination codon (PMID: 21394826, 22505045; internal data). For these reasons, this variant has been classified as Pathogenic.

Color Diagnostics, LLC DBA Color Health
Classification: Likely pathogenic for Hereditary cancer-predisposing syndrome. Last evaluated: 2021-12-14. Review status: criteria provided, single submitter. Criteria: ACMG Guidelines, 2015. Collection method: clinical testing. Allele origin: germline.
Comment: This variant causes a G to A nucleotide substitution at the +1 position of intron 13 of the BRCA2 gene. Splice site prediction tools predict that this variant may have a significant impact on RNA splicing. To our knowledge, functional studies have not been reported for this variant. This variant has been detected in at least two individuals affected with breast cancer (PMID: 33471991; Leiden Open Variation Database DB-ID BRCA2_008565; Color internal data). A different mutation disrupting the +5 guanine nucleotide has been shown to result in out-of-frame splicing, creating a premature truncation (PMID: 21394826, 22505045, 31843900). This variant has not been identified in the general population by the Genome Aggregation Database (gnomAD). Loss of BRCA2 function is a known mechanism of disease. Based on the available evidence, this variant is classified as Likely Pathogenic.

Quest Diagnostics Nichols Institute San Juan Capistrano
Classification: Pathogenic. Last evaluated: 2020-12-29. Review status: criteria provided, single submitter. Criteria: Quest Diagnostics criteria. Collection method: clinical testing. Allele origin: unknown.
Comment: This variant is located in a canonical splice-donor site and interferes with normal BRCA2 mRNA splicing. To the best of our knowledge, the variant has not been reported in the published literature. However, a different variant located at the same nucleotide position (BRCA2 c.7007+1G>C) has been shown to result in aberrant splicing and described as pathogenic (ClinVar (PMID 1394826 (2010), 22505045 (2012)). This variant has not been reported in large, multi-ethnic general populations. Based on the available information, this variant is classified as pathogenic.

Literature cited by the submitters: PubMed 21394826 (cited by Labcorp Genetics (formerly Invitae), Labcorp and Color Diagnostics, LLC DBA Color Health); PubMed 22505045 (cited by Labcorp Genetics (formerly Invitae), Labcorp and Color Diagnostics, LLC DBA Color Health); PubMed 31843900 (cited by Color Diagnostics, LLC DBA Color Health); PubMed 33471991 (cited by Color Diagnostics, LLC DBA Color Health).